The following is an entry in ClinVar:

NM_198253.3(TERT):c.833C>G (p.Pro278Arg)

Gene: TERT (telomerase reverse transcriptase; minus strand). Cytogenetic location: 5p15.33.
Variant type: single nucleotide variant.
Coding change: c.833C>G on transcript NM_198253.3 (MANE Select); coding-DNA position 833, C replaced by G.
Protein change: p.Pro278Arg; replaces proline 278 with arginine.
Molecular consequence: missense variant. On other transcripts: non-coding transcript variant (2).
Genome position (GRCh38, 1-based): chr5:1,294,053, G>C on the plus strand (C>G on the coding strand, the complement: TERT is on the minus strand). VCF-style: chr5-1294053-G-C. GRCh37 (hg19) VCF-style: chr5-1294168-G-C.
Other names: c.833C>G, p.Pro278Arg (NM_001193376.3, NM_003219.1); short protein forms P278R.
Identifiers: ClinVar variation 1762985 (VCV001762985.2), dbSNP rs1474106264, ClinGen allele CA359056576.
Genomic context (GRCh38, chr5:1,294,053, plus strand): 5'-GATGGGTGGGAGTGGCGCGTGCCAGAGAGCGCACCCTCCAAAGAGGTGGCTTCTTCGGCG[G>C]GTCTGGCAGGTGACACCACACAGAAACCACGGTCACTCGGTCCACGCGTCCTGCCCGGGT-3'
Protein context (NP_937983.2, residues 268-288): RGFCVVSPAR[Pro278Arg]AEEATSLEGA

ClinVar aggregate classification (germline): Uncertain significance (1 of 4 stars; one submission).

Conditions:
Dyskeratosis congenita. Identifiers: Orphanet 1775, MedGen C0265965, MONDO:0015780.

Submission:

Ambry Genetics
Classification: Uncertain significance for Dyskeratosis congenita. Last evaluated: 2022-06-20. Review status: criteria provided, single submitter. Criteria: Ambry Variant Classification Scheme 2023. Collection method: clinical testing. Allele origin: germline.
Comment: The p.P278R variant (also known as c.833C>G), located in coding exon 2 of the TERT gene, results from a C to G substitution at nucleotide position 833. The proline at codon 278 is replaced by arginine, an amino acid with dissimilar properties. This amino acid position is conserved. In addition, this alteration is predicted to be tolerated by in silico analysis. Since supporting evidence is limited at this time, the clinical significance of this alteration remains unclear.